The following is an entry in ClinVar:

ClinVar aggregate classification (germline): Likely benign. Review status: criteria provided, multiple submitters, no conflicts (2 of 4 stars). 2 submissions from 2 submitters: Likely benign (2). Last evaluated 2024-03-01.

Allele frequency attached by ClinVar (database versions not stated): TOPMed below 0.00001; gnomAD exomes 0.00001; ExAC 0.00002; gnomAD 0.00003.
gnomAD v4.1: 20 of 1,614,146 alleles (0.0012%); highest among the groups gnomAD compares: South Asian, 0.014%; 1 homozygote.

Submissions (2):

CeGaT Center for Human Genetics Tuebingen
Classification: Likely benign. Last evaluated: 2024-03-01. Review status: criteria provided, single submitter. Criteria: CeGaT Center For Human Genetics Tuebingen Variant Classification Criteria Version 2. Collection method: clinical testing. Allele origin: germline. Affected: yes. Observed: 1 variant allele.
Comment: VLDLR: BP4, BP7

Labcorp Genetics (formerly Invitae), Labcorp
Classification: Likely benign. Last evaluated: 2024-01-03. Review status: criteria provided, single submitter. Criteria: Invitae Variant Classification Sherloc (09022015). Collection method: clinical testing. Allele origin: germline.

NM_003383.5(VLDLR):c.1422C>T (p.Leu474=)

Gene: VLDLR (very low density lipoprotein receptor; plus strand). Cytogenetic location: 9p24.2.
Variant type: single nucleotide variant.
Coding change: c.1422C>T on transcript NM_003383.5 (MANE Select); coding-DNA position 1422, C replaced by T.
Protein change: p.Leu474=; no amino-acid change (leucine 474 retained).
Molecular consequence: synonymous variant.
Genome position (GRCh38, 1-based): chr9:2,645,683, C>T. VCF-style: chr9-2645683-C-T. GRCh37 (hg19) VCF-style: chr9-2645683-C-T.
Other names: c.1422C>T, p.Leu474= (NM_001018056.3); c.1299C>T, p.Leu433= (NM_001322225.2, NM_001322226.2).
Identifiers: ClinVar variation 2096195 (VCV002096195.25), dbSNP rs761735957, ClinGen allele CA4964827.